The following is an entry in ClinVar:

NM_001267550.2(TTN):c.94523-33T>C

Genes: TTN (titin; minus strand), TTN-AS1 (TTN antisense RNA 1; plus strand). Cytogenetic location: 2q31.2.
Variant type: single nucleotide variant.
Coding change: c.94523-33T>C on transcript NM_001267550.2 (MANE Select); 33 bases into the intron before coding-DNA position 94523, T replaced by C.
Molecular consequence: intron variant.
Genome position (GRCh38, 1-based): chr2:178,546,938, A>G on the plus strand (T>C on the coding strand, the complement: TTN is on the minus strand). VCF-style: chr2-178546938-A-G. GRCh37 (hg19) VCF-style: chr2-179411665-A-G.
Other names: c.67328-33T>C (NM_003319.4); c.67904-33T>C (NM_133437.4); c.67703-33T>C (NM_133432.3); c.86819-33T>C (NM_133378.4); c.89600-33T>C (NM_001256850.1).
Identifiers: ClinVar variation 671419 (VCV000671419.2), dbSNP rs2288327, ClinGen allele CA1987108.

ClinVar aggregate classification (germline): Benign. Review status: criteria provided, multiple submitters, no conflicts (2 of 4 stars). 2 submissions from 2 submitters: Benign (2). Last evaluated 2018-06-14.

Allele frequency attached by ClinVar (database versions not stated): ESP Exome Variant Server 0.19908; gnomAD 0.21663 and 0.22201; TOPMed 0.22776; ExAC 0.22966; gnomAD exomes 0.23015; 1000 Genomes Project 30x 0.32058; 1000 Genomes Project 0.32748.
gnomAD v4.1: 300,042 of 1,573,640 alleles (19%); highest among the groups gnomAD compares: East Asian, 62%; 34,753 homozygotes.

Submissions (2):

GeneDx
Classification: Benign. Last evaluated: 2018-06-14. Review status: criteria provided, single submitter. Criteria: GeneDx Variant Classification (06012015). Collection method: clinical testing. Allele origin: germline. Affected: yes.
Comment: This variant is considered likely benign or benign based on one or more of the following criteria: it is a conservative change, it occurs at a poorly conserved position in the protein, it is predicted to be benign by multiple in silico algorithms, and/or has population frequency not consistent with disease.

Breakthrough Genomics
Classification: Benign. Review status: criteria provided, single submitter. Criteria: ACMG Guidelines, 2015. Collection method: not provided. Allele origin: germline. Inheritance: Autosomal recessive inheritance. Affected: yes.